The following is an entry in ClinVar:

ClinVar aggregate classification (germline): Benign/Likely benign. Review status: criteria provided, multiple submitters, no conflicts (2 of 4 stars). 8 submissions from 8 submitters: Benign (2); Likely benign (5). 1 of the submissions does not count toward it. Last evaluated 2025-12-23.

Conditions:
Hereditary cancer-predisposing syndrome. Also called: Tumor predisposition; Neoplastic Syndromes, Hereditary; Hereditary Cancer Syndrome; Hereditary neoplastic syndrome. Identifiers: Orphanet 140162, MedGen C0027672, MeSH D009386, MONDO:0015356.
Fanconi anemia (FA). Also called: Fanconi's anemia. Identifiers: Orphanet 84, MedGen C0015625, MeSH D005199, MONDO:0019391.

Allele frequency attached by ClinVar (database versions not stated): gnomAD exomes 0.00003 and 0.00007; TOPMed 0.00003; gnomAD 0.00006 and 0.00007; ExAC 0.00009; ESP Exome Variant Server 0.00015.
gnomAD v4.1: 47 of 1,613,910 alleles (0.0029%); highest among the groups gnomAD compares: East Asian, 0.013%; no homozygotes.

Submissions (8):

Labcorp Genetics (formerly Invitae), Labcorp
Classification: Likely benign for Fanconi anemia. Last evaluated: 2025-12-23. Review status: criteria provided, single submitter. Criteria: Invitae Variant Classification Sherloc (09022015). Collection method: clinical testing. Allele origin: germline.

CeGaT Center for Human Genetics Tuebingen
Classification: Likely benign. Last evaluated: 2025-07-01. Review status: criteria provided, single submitter. Criteria: CeGaT Center For Human Genetics Tuebingen Variant Classification Criteria Version 2. Collection method: clinical testing. Allele origin: germline. Affected: yes. Observed: 3 variant alleles.
Comment: FANCC: BP4, BP7

Quest Diagnostics Nichols Institute San Juan Capistrano
Classification: Benign. Last evaluated: 2025-04-12. Review status: criteria provided, single submitter. Criteria: Quest Diagnostics criteria. Collection method: clinical testing. Allele origin: unknown.

Sema4
Classification: Likely benign for Fanconi anemia. Last evaluated: 2021-09-04. Review status: criteria provided, single submitter. Criteria: Sema4 Curation Guidelines. Collection method: curation. Allele origin: germline.

Ambry Genetics
Classification: Likely benign for Hereditary cancer-predisposing syndrome. Last evaluated: 2019-02-04. Review status: criteria provided, single submitter. Criteria: Ambry Variant Classification Scheme 2023. Collection method: clinical testing. Allele origin: germline.

Genetic Services Laboratory, University of Chicago
Classification: Likely benign. Last evaluated: 2018-11-07. Review status: criteria provided, single submitter. Criteria: ACMG Guidelines, 2015. Collection method: clinical testing. Allele origin: germline. Affected: no.

GeneDx
Classification: Benign. Last evaluated: 2014-09-15. Review status: criteria provided, single submitter. Criteria: GeneDx Variant Classification (06012015). Collection method: clinical testing. Allele origin: germline. Affected: yes.
Comment: This variant is considered likely benign or benign based on one or more of the following criteria: it is a conservative change, it occurs at a poorly conserved position in the protein, it is predicted to be benign by multiple in silico algorithms, and/or has population frequency not consistent with disease.

Natera, Inc.
Classification: Likely benign for Fanconi anemia. Last evaluated: 2018-09-23. Review status: no assertion criteria provided. Collection method: clinical testing. Allele origin: germline. Not counted in ClinVar's aggregate classification.

NM_000136.3(FANCC):c.531C>T (p.Pro177=)

Genes: AOPEP (aminopeptidase O (putative); plus strand), FANCC (FA complementation group C; minus strand). Cytogenetic location: 9q22.32.
Variant type: single nucleotide variant.
Coding change: c.531C>T on transcript NM_000136.3 (MANE Select); coding-DNA position 531, C replaced by T.
Protein change: p.Pro177=; no amino-acid change (proline 177 retained).
Molecular consequence: synonymous variant.
Genome position (GRCh38, 1-based): chr9:95,150,078, G>A on the plus strand (C>T on the coding strand, the complement: FANCC is on the minus strand). VCF-style: chr9-95150078-G-A. GRCh37 (hg19) VCF-style: chr9-97912360-G-A.
Other names: p.P177P:CCC>CCT; c.531C>T, p.Pro177= (NM_001243743.2, NM_001243744.2).
Identifiers: ClinVar variation 182500 (VCV000182500.49), dbSNP rs150070473, ClinGen allele CA299223.